The following is an entry in ClinVar:

ClinVar aggregate classification (germline): Uncertain significance (1 of 4 stars; one submission).

Conditions:
Shprintzen-Goldberg syndrome (SGS). Also called: Marfanoid disorder with craniosynostosis type 1; Marfanoid craniosynostosis syndrome; Shprintzen-Goldberg marfanoid syndrome; SHPRINTZEN-GOLDBERG CRANIOSYNOSTOSIS SYNDROME; CRANIOSYNOSTOSIS WITH ARACHNODACTYLY AND ABDOMINAL HERNIAS. Identifiers: Orphanet 2462, MedGen C1321551, MONDO:0008426, OMIM 182212.

Allele frequency attached by ClinVar (database versions not stated): TOPMed 0.00001.

Submission:

Labcorp Genetics (formerly Invitae), Labcorp
Classification: Uncertain significance for Shprintzen-Goldberg syndrome. Last evaluated: 2023-07-31. Review status: criteria provided, single submitter. Criteria: Invitae Variant Classification Sherloc (09022015). Collection method: clinical testing. Allele origin: germline.
Comment: This sequence change replaces glutamic acid, which is acidic and polar, with glutamine, which is neutral and polar, at codon 725 of the SKI protein (p.Glu725Gln). This variant is not present in population databases (gnomAD no frequency). This variant has not been reported in the literature in individuals affected with SKI-related conditions. ClinVar contains an entry for this variant (Variation ID: 1042737). Advanced modeling of protein sequence and biophysical properties (such as structural, functional, and spatial information, amino acid conservation, physicochemical variation, residue mobility, and thermodynamic stability) performed at Invitae indicates that this missense variant is not expected to disrupt SKI protein function. In summary, the available evidence is currently insufficient to determine the role of this variant in disease. Therefore, it has been classified as a Variant of Uncertain Significance.

NM_003036.4(SKI):c.2173G>C (p.Glu725Gln)

Gene: SKI (SKI proto-oncogene; plus strand). Cytogenetic location: 1p36.32.
Variant type: single nucleotide variant.
Coding change: c.2173G>C on transcript NM_003036.4 (MANE Select); coding-DNA position 2173, G replaced by C.
Protein change: p.Glu725Gln; replaces glutamic acid 725 with glutamine.
Molecular consequence: missense variant.
Genome position (GRCh38, 1-based): chr1:2,306,751, G>C. VCF-style: chr1-2306751-G-C. GRCh37 (hg19) VCF-style: chr1-2238190-G-C.
Other names: short protein forms E725Q.
Identifiers: ClinVar variation 1042737 (VCV001042737.8), dbSNP rs1640597058, ClinGen allele CA337959898.